The following is an entry in ClinVar:

ClinVar aggregate classification (germline): Uncertain significance. Review status: criteria provided, multiple submitters, no conflicts (2 of 4 stars). 2 submissions from 2 submitters: Uncertain significance (2). Last evaluated 2025-03-11.

Allele frequency attached by ClinVar (database versions not stated): gnomAD 0.00005; TOPMed 0.00005; gnomAD exomes 0.00006; ExAC 0.00009.
gnomAD v4.1: 93 of 1,609,716 alleles (0.0058%); highest among the groups gnomAD compares: Middle Eastern, 0.017%; no homozygotes.

Submissions (2):

Ambry Genetics
Classification: Uncertain significance. Last evaluated: 2025-03-11. Review status: criteria provided, single submitter. Criteria: Ambry Variant Classification Scheme 2023. Collection method: clinical testing. Allele origin: germline.

Labcorp Genetics (formerly Invitae), Labcorp
Classification: Uncertain significance. Last evaluated: 2025-01-27. Review status: criteria provided, single submitter. Criteria: Invitae Variant Classification Sherloc (09022015). Collection method: clinical testing. Allele origin: germline.
Comment: This sequence change replaces threonine, which is neutral and polar, with methionine, which is neutral and non-polar, at codon 1836 of the DSCAML1 protein (p.Thr1836Met). This variant is present in population databases (rs747589181, gnomAD 0.01%). This variant has not been reported in the literature in individuals affected with DSCAML1-related conditions. ClinVar contains an entry for this variant (Variation ID: 1906925). An algorithm developed to predict the effect of missense changes on protein structure and function (PolyPhen-2) suggests that this variant is likely to be tolerated. In summary, the available evidence is currently insufficient to determine the role of this variant in disease. Therefore, it has been classified as a Variant of Uncertain Significance.

NM_020693.4(DSCAML1):c.5327C>T (p.Thr1776Met)

Gene: DSCAML1 (DS cell adhesion molecule like 1; minus strand). Cytogenetic location: 11q23.3.
Variant type: single nucleotide variant.
Coding change: c.5327C>T on transcript NM_020693.4 (MANE Select); coding-DNA position 5327, C replaced by T.
Protein change: p.Thr1776Met; replaces threonine 1776 with methionine.
Molecular consequence: missense variant.
Genome position (GRCh38, 1-based): chr11:117,431,581, G>A on the plus strand (C>T on the coding strand, the complement: DSCAML1 is on the minus strand). VCF-style: chr11-117431581-G-A. GRCh37 (hg19) VCF-style: chr11-117302297-G-A.
Other names: short protein forms T1776M.
Identifiers: ClinVar variation 1906925 (VCV001906925.7), dbSNP rs747589181, ClinGen allele CA6296098.
Genomic context (GRCh38, chr11:117,431,581, plus strand): 5'-GCCTTAGGCACACCTGTGTCCTGGGACAGGCTGGCACTGTAGCTGTCACTCTCAGTGACC[G>A]TGACACCATGCTGGGAGCCCACGGTGCGCCAGTCGGAGGTGAGGGTGCGGGCAGGTGTGG-3'
Protein context (NP_065744.3, residues 1766-1786): WRTVGSQHGV[Thr1776Met]VTESDSYSAS